The following is an entry in ClinVar:

ClinVar aggregate classification (germline): Uncertain significance. Review status: criteria provided, multiple submitters, no conflicts (2 of 4 stars). 2 submissions from 2 submitters: Uncertain significance (2). Last evaluated 2025-03-18.

Conditions:
Inborn genetic diseases. Identifiers: MedGen C0950123, MeSH D030342.

Allele frequency attached by ClinVar (database versions not stated): gnomAD exomes 0.00001; ExAC 0.00002.
gnomAD v4.1: 9 of 1,585,430 alleles (0.00057%); highest among the groups gnomAD compares: Non-Finnish European, 0.00069%; no homozygotes.

Submissions (2):

Ambry Genetics
Classification: Uncertain significance for Inborn genetic diseases. Last evaluated: 2025-03-18. Review status: criteria provided, single submitter. Criteria: Ambry Variant Classification Scheme 2023. Collection method: clinical testing. Allele origin: germline.

Labcorp Genetics (formerly Invitae), Labcorp
Classification: Uncertain significance. Last evaluated: 2022-04-21. Review status: criteria provided, single submitter. Criteria: Invitae Variant Classification Sherloc (09022015). Collection method: clinical testing. Allele origin: germline.
Comment: In summary, the available evidence is currently insufficient to determine the role of this variant in disease. Therefore, it has been classified as a Variant of Uncertain Significance. Algorithms developed to predict the effect of missense changes on protein structure and function are either unavailable or do not agree on the potential impact of this missense change (SIFT: "Deleterious"; PolyPhen-2: "Benign"; Align-GVGD: "Class C0"). This variant has not been reported in the literature in individuals affected with IFT74-related conditions. This variant is present in population databases (rs761724311, gnomAD 0.004%). This sequence change replaces threonine, which is neutral and polar, with proline, which is neutral and non-polar, at codon 543 of the IFT74 protein (p.Thr543Pro).

NM_025103.4(IFT74):c.1627A>C (p.Thr543Pro)

Gene: IFT74 (intraflagellar transport 74; plus strand). Cytogenetic location: 9p21.2.
Variant type: single nucleotide variant.
Coding change: c.1627A>C on transcript NM_025103.4 (MANE Select); coding-DNA position 1627, A replaced by C.
Protein change: p.Thr543Pro; replaces threonine 543 with proline.
Molecular consequence: missense variant.
Genome position (GRCh38, 1-based): chr9:27,060,594, A>C. VCF-style: chr9-27060594-A-C. GRCh37 (hg19) VCF-style: chr9-27060592-A-C.
Other names: c.1627A>C, p.Thr543Pro (NM_001099222.3, NM_001099223.3, NM_001349928.2); c.1627A>C (NM_001099222.1); short protein forms T543P.
Identifiers: ClinVar variation 1913104 (VCV001913104.6), dbSNP rs761724311, ClinGen allele CA5015735.